The following is an entry in ClinVar:

ClinVar aggregate classification (germline): Uncertain significance. Review status: criteria provided, single submitter (1 of 4 stars). 2 submissions from 2 submitters: Uncertain significance (1). 1 of the submissions does not count toward it. Last evaluated 2021-12-14.

Conditions:
GANAB-related disorder. Also called: GANAB-related condition.
Inborn genetic diseases. Identifiers: MedGen C0950123, MeSH D030342.

Allele frequency attached by ClinVar (database versions not stated): gnomAD exomes 0.00001; TOPMed 0.00001; ExAC 0.00002; gnomAD 0.00003.

Submissions (2):

Ambry Genetics
Classification: Uncertain significance for Inborn genetic diseases. Last evaluated: 2021-12-14. Review status: criteria provided, single submitter. Criteria: Ambry Variant Classification Scheme 2023. Collection method: clinical testing. Allele origin: germline.

PreventionGenetics, part of Exact Sciences
Classification: Uncertain significance for GANAB-related condition. Last evaluated: 2024-06-28. Review status: no assertion criteria provided. Collection method: clinical testing. Allele origin: germline. Not counted in ClinVar's aggregate classification.
Comment: The GANAB c.1196G>A variant is predicted to result in the amino acid substitution p.Arg399Gln. To our knowledge, this variant has not been reported in the literature. This variant is reported in 0.016% of alleles in individuals of European (Finnish) descent in gnomAD. Although we suspect that this variant may be benign, at this time, the clinical significance of this variant is uncertain due to the absence of conclusive functional and genetic evidence.

NM_198334.3(GANAB):c.1130G>A (p.Arg377Gln)

Gene: GANAB (glucosidase II alpha subunit; minus strand). Cytogenetic location: 11q12.3.
Variant type: single nucleotide variant.
Coding change: c.1130G>A on transcript NM_198334.3 (MANE Select); coding-DNA position 1130, G replaced by A.
Protein change: p.Arg377Gln; replaces arginine 377 with glutamine.
Molecular consequence: missense variant.
Genome position (GRCh38, 1-based): chr11:62,631,050, C>T on the plus strand (G>A on the coding strand, the complement: GANAB is on the minus strand). VCF-style: chr11-62631050-C-T. GRCh37 (hg19) VCF-style: chr11-62398522-C-T.
Other names: c.854G>A, p.Arg285Gln (NM_001278192.2); c.788G>A, p.Arg263Gln (NM_001278193.2); c.839G>A, p.Arg280Gln (NM_001278194.2, NM_001329222.2, NM_001329223.2); c.407G>A, p.Arg136Gln (NM_001329224.2, NM_001329225.2); c.1196G>A, p.Arg399Gln (NM_198335.4); c.1196G>A (NM_198335.3); short protein forms R280Q, R263Q, R285Q, R377Q, R136Q, R399Q.
Identifiers: ClinVar variation 2227143 (VCV002227143.3), dbSNP rs774290506, ClinGen allele CA6050859.
Genomic context (GRCh38, chr11:62,631,050, plus strand): 5'-AAGAAAAGAGCAGAAGAATGAGGCAGGGAAAACCATGTACCTGTGAGACTAGCATATTGC[C>T]GGAAAACATCAGAGATGGAGGGCCCCAGCAGCAGGAAGACGTCAATGATGCCAGTCTCTG-3'
Protein context (NP_938148.1, residues 367-387): LLGPSISDVF[Arg377Gln]QYASLTGTQA